The following is an entry in ClinVar:

NM_000531.6(OTC):c.1024C>A (p.Leu342Met)

Gene: OTC (ornithine transcarbamylase; plus strand). Cytogenetic location: Xp11.4.
Variant type: single nucleotide variant.
Coding change: c.1024C>A on transcript NM_000531.6 (MANE Select); coding-DNA position 1024, C replaced by A.
Protein change: p.Leu342Met; replaces leucine 342 with methionine.
Molecular consequence: missense variant.
Genome position (GRCh38, 1-based): chrX:38,421,041, C>A. VCF-style: chrX-38421041-C-A. GRCh37 (hg19) VCF-style: chrX-38280294-C-A.
Other names: c.1024C>A, p.Leu342Met (NM_001407092.1); short protein forms L342M.
Identifiers: ClinVar variation 4755025 (VCV004755025.1).

ClinVar aggregate classification (germline): Uncertain significance. Review status: criteria provided, multiple submitters, no conflicts (2 of 4 stars). 2 submissions from 2 submitters: Uncertain significance (2). Last evaluated 2025-10-07.

Conditions:
Ornithine carbamoyltransferase deficiency (OTCD). Also called: ORNITHINE TRANSCARBAMYLASE DEFICIENCY; ORNITHINE TRANSCARBAMYLASE DEFICIENCY, HYPERAMMONEMIA DUE TO; OTC DEFICIENCY; Ornithine Carbamoyltransferase Deficiency Disease. Identifiers: Orphanet 664, MedGen C0268542, MONDO:0010703, OMIM 311250.

Submissions (2):

Labcorp Genetics (formerly Invitae), Labcorp
Classification: Uncertain significance for Ornithine carbamoyltransferase deficiency. Last evaluated: 2025-10-07. Review status: criteria provided, single submitter. Criteria: Invitae Variant Classification Sherloc (09022015). Collection method: clinical testing. Allele origin: germline.
Comment: This sequence change replaces leucine, which is neutral and non-polar, with methionine, which is neutral and non-polar, at codon 342 of the OTC protein (p.Leu342Met). This variant is not present in population databases (gnomAD no frequency). This variant has not been reported in the literature in individuals affected with OTC-related conditions. Invitae Evidence Modeling of protein sequence and biophysical properties (such as structural, functional, and spatial information, amino acid conservation, physicochemical variation, residue mobility, and thermodynamic stability) indicates that this missense variant is expected to disrupt OTC protein function with a positive predictive value of 95%. In summary, the available evidence is currently insufficient to determine the role of this variant in disease. Therefore, it has been classified as a Variant of Uncertain Significance.

Color Diagnostics, LLC DBA Color Health
Classification: Uncertain significance for Ornithine carbamoyltransferase deficiency. Last evaluated: 2025-05-27. Review status: criteria provided, single submitter. Criteria: ACMG Guidelines, 2015. Collection method: clinical testing. Allele origin: germline.
Comment: This missense variant replaces leucine with methionine at codon 342 of the OTC protein. Computational prediction is inconclusive regarding the impact of this variant on protein structure and function. To our knowledge, functional studies have not been reported for this variant. This variant has been reported in a 1 neonate affected with urea cycle disorder (PMID: 39779333). This variant has not been identified in the general population by the Genome Aggregation Database (gnomAD). The available evidence is insufficient to determine the role of this variant in disease conclusively. Therefore, this variant is classified as a Variant of Uncertain Significance.

Literature cited by the submitters: PubMed 39779333 (cited by Color Diagnostics, LLC DBA Color Health).